The following is an entry in ClinVar:

ClinVar aggregate classification (germline): Uncertain significance (1 of 4 stars; one submission).

Submission:

Labcorp Genetics (formerly Invitae), Labcorp
Classification: Uncertain significance. Last evaluated: 2021-05-04. Review status: criteria provided, single submitter. Criteria: Invitae Variant Classification Sherloc (09022015). Collection method: clinical testing. Allele origin: germline.
Comment: In summary, the available evidence is currently insufficient to determine the role of this variant in disease. Therefore, it has been classified as a Variant of Uncertain Significance. Experimental studies and prediction algorithms are not available or were not evaluated, and the functional significance of this variant is currently unknown. This variant has not been reported in the literature in individuals with XRCC2-related conditions. This variant is not present in population databases (ExAC no frequency). This sequence change creates a premature translational stop signal (p.Ala202Profs*20) in the XRCC2 gene. While this is not anticipated to result in nonsense mediated decay, it is expected to disrupt the last 79 amino acid(s) of the XRCC2 protein.

NM_005431.2(XRCC2):c.603del (p.Ala202fs)

Gene: XRCC2 (X-ray repair cross complementing 2; minus strand). Cytogenetic location: 7q36.1.
Variant type: Deletion.
Coding change: c.603del on transcript NM_005431.2 (MANE Select); coding-DNA position 603, one base deleted (A; older notation c.603delA).
Protein change: p.Ala202fs; shifts the reading frame from alanine 202.
Molecular consequence: frameshift variant.
Genome position (GRCh38, 1-based): chr7:152,648,882, T deleted on the plus strand (A on the coding strand, the reverse complement: XRCC2 is on the minus strand); the first of 3 consecutive T bases (chr7:152,648,882-152,648,884); deleting any one gives the same sequence. VCF-style (leftmost placement, unchanged base first): chr7-152648881-CT-C. GRCh37 (hg19) VCF-style: chr7-152345966-CT-C.
Other names: short protein forms A202fs.
Identifiers: ClinVar variation 1345278 (VCV001345278.8), dbSNP rs2116987423, ClinGen allele CA2573141904.